The following is an entry in ClinVar:

NM_153603.4(COG7):c.373del (p.Leu125fs)

Gene: COG7 (component of oligomeric golgi complex 7; minus strand). Cytogenetic location: 16p12.2.
Variant type: Deletion.
Coding change: c.373del on transcript NM_153603.4 (MANE Select); coding-DNA position 373, one base deleted (C; older notation c.373delC).
Protein change: p.Leu125fs; shifts the reading frame from leucine 125.
Molecular consequence: frameshift variant.
Genome position (GRCh38, 1-based): chr16:23,445,110, G deleted on the plus strand (C on the coding strand, the reverse complement: COG7 is on the minus strand). VCF-style (leftmost placement, unchanged base first): chr16-23445109-AG-A. GRCh37 (hg19) VCF-style: chr16-23456430-AG-A.
Other names: c.373delC (NM_153603.4); short protein forms L125fs.
Identifiers: ClinVar variation 2637813 (VCV002637813.1), dbSNP rs2506667190, ClinGen allele CA2695197569.

ClinVar aggregate classification (germline): Uncertain significance (1 of 4 stars; one submission).

Submission:

Women's Health and Genetics/Laboratory Corporation of America, LabCorp
Classification: Uncertain significance. Last evaluated: 2023-10-18. Review status: criteria provided, single submitter. Criteria: LabCorp Variant Classification Summary - May 2015. Collection method: clinical testing. Allele origin: germline.
Comment: Variant summary: COG7 c.373delC (p.Leu125PhefsX10) results in a premature termination codon, predicted to cause a truncation of the encoded protein or absence of the protein due to nonsense mediated decay, however current evidence is not sufficient to establish loss-of-function variants in COG7 as causative of disease. The variant was absent in 251478 control chromosomes. The available data on variant occurrences in the general population are insufficient to allow any conclusion about variant significance. To our knowledge, no occurrence of c.373delC in individuals affected with COG7 Congenital Disorder Of Glycosylation and no experimental evidence demonstrating its impact on protein function have been reported. No submitters have cited clinical-significance assessments for this variant to ClinVar after 2014. Based on the evidence outlined above, the variant was classified as uncertain significance.